The following is an entry in ClinVar:

NM_001308093.3(GATA4):c.392C>G (p.Ala131Gly)

Gene: GATA4 (GATA binding protein 4). Cytogenetic location: 8p23.1.
Variant type: single nucleotide variant.
Coding change: c.392C>G on transcript NM_001308093.3 (MANE Select); coding-DNA position 392, C replaced by G.
Protein change: p.Ala131Gly; replaces alanine 131 with glycine.
Molecular consequence: missense variant. On other transcripts: intron variant (3).
Genome position (GRCh38, 1-based): chr8:11,708,704, C>G. VCF-style: chr8-11708704-C-G. GRCh37 (hg19) VCF-style: chr8-11566213-C-G.
Other names: c.392C>G, p.Ala131Gly (NM_002052.5); c.-6+7926C>G (NM_001308094.2); c.-3+690C>G (NM_001374274.1); c.-3+4400C>G (NM_001374273.1); c.392C>G (NM_002052.4); short protein forms A131G.
Identifiers: ClinVar variation 429341 (VCV000429341.16), dbSNP rs1013984246, ClinGen allele CA172074863.

ClinVar aggregate classification (germline): Uncertain significance. Review status: criteria provided, multiple submitters, no conflicts (2 of 4 stars). 6 submissions from 6 submitters: Uncertain significance (6). Last evaluated 2026-02-19.

Conditions:
GATA4-related disorder. Also called: GATA4-related condition. Identifiers: MedGen CN860321.
Ventricular septal defect 1 (VSD1). Identifiers: MedGen C3280777, MONDO:0013746, OMIM 614429.
Atrioventricular septal defect 4 (AVSD4). Identifiers: MedGen C3280781, MONDO:0013747, OMIM 614430.
Tetralogy of Fallot (TOF). Identifiers: Orphanet 3303, MedGen C0039685, MONDO:0008542, OMIM 187500, HP:0001636.
Testicular anomalies with or without congenital heart disease (TACHD). Identifiers: Orphanet 251510, MedGen C3809858, MONDO:0014239, OMIM 615542.
Atrial septal defect 2 (ASD2). Identifiers: Orphanet 1478, MedGen C1842778, MONDO:0011938, OMIM 607941.

Allele frequency attached by ClinVar (database versions not stated): gnomAD exomes 0.00001; gnomAD 0.00017 and 0.00019; TOPMed 0.00025.
gnomAD v4.1: 44 of 1,272,760 alleles (0.0035%); highest among the groups gnomAD compares: African/African-American, 0.061%; no homozygotes.

Submissions (6):

PreventionGenetics, part of Exact Sciences
Classification: Uncertain significance for GATA4-related condition. Last evaluated: 2026-02-19. Review status: criteria provided, single submitter. Criteria: ACMG Guidelines, 2015. Collection method: clinical testing. Allele origin: germline.
Comment: The GATA4 c.392C>G variant is predicted to result in the amino acid substitution p.Ala131Gly. This variant has been reported de novo in an individual with hand defects, but no cardiac anomalies (Porto et al. 2010. PubMed ID: 21637475). This variant is reported in 0.012% of alleles in individuals of African descent in gnomAD. At this time, the clinical significance of this variant is uncertain due to the absence of conclusive functional and genetic evidence.

Labcorp Genetics (formerly Invitae), Labcorp
Classification: Uncertain significance for Atrioventricular septal defect 4. Last evaluated: 2026-01-19. Review status: criteria provided, single submitter. Criteria: Invitae Variant Classification Sherloc (09022015). Collection method: clinical testing. Allele origin: germline.
Comment: This sequence change replaces alanine, which is neutral and non-polar, with glycine, which is neutral and non-polar, at codon 131 of the GATA4 protein (p.Ala131Gly). This variant is present in population databases (no rsID available, gnomAD 0.01%). This missense change has been observed in individual(s) with isolated hand anomalies (PMID: 21637475). ClinVar contains an entry for this variant (Variation ID: 429341). Invitae Evidence Modeling of protein sequence and biophysical properties (such as structural, functional, and spatial information, amino acid conservation, physicochemical variation, residue mobility, and thermodynamic stability) indicates that this missense variant is not expected to disrupt GATA4 protein function with a negative predictive value of 95%. In summary, the available evidence is currently insufficient to determine the role of this variant in disease. Therefore, it has been classified as a Variant of Uncertain Significance.

Baylor Genetics
Classification: Uncertain significance for Testicular anomalies with or without congenital heart disease. Last evaluated: 2023-09-24. Review status: criteria provided, single submitter. Criteria: ACMG Guidelines, 2015. Collection method: clinical testing. Allele origin: unknown.

GeneDx
Classification: Uncertain significance. Last evaluated: 2022-12-21. Review status: criteria provided, single submitter. Criteria: GeneDx Variant Classification Process June 2021. Collection method: clinical testing. Allele origin: germline. Affected: yes.
Comment: Reported as a de novo variant in a patient with upper limb defects and no congenital heart defects (Porto et al., 2010); Not observed at significant frequency in large population cohorts (gnomAD); In silico analysis supports that this missense variant does not alter protein structure/function; This variant is associated with the following publications: (PMID: 21637475, 35047139)

Breakthrough Genomics
Classification: Uncertain significance. Review status: criteria provided, single submitter. Criteria: ACMG Guidelines, 2015. Collection method: not provided. Allele origin: germline. Inheritance: Autosomal recessive inheritance. Affected: yes.

Center for Genomics, Ann and Robert H. Lurie Children's Hospital of Chicago
Classification: Uncertain significance for Tetralogy of Fallot; Atrial septal defect 2; Ventricular septal defect 1; Atrioventricular septal defect 4; Testicular anomalies with or without congenital heart disease. Review status: criteria provided, single submitter. Criteria: ACMG Guidelines, 2015. Collection method: clinical testing. Allele origin: germline.
Comment: GATA4 NM_002052.5 exon 2 p.Ala131Gly (c.392C>G): This variant has been reported in the literature in one individual with isolated limb malformations but no evidence of cardiac disease on echo or ECG (Porto 2010 PMID:21637475). This variant is present in 0.003% (1/30376) of total alleles in the Genome Aggregation Database and is present in ClinVar (Variation ID:429341). Evolutionary conservation and computational predictive tools suggest that this variant may not impact the protein. In summary, data on this variant is insufficient for disease classification. Therefore, the clinical significance of this variant is uncertain

Literature cited by the submitters: PubMed 21637475 (cited by Labcorp Genetics (formerly Invitae), Labcorp).